The following is an entry in ClinVar:

ClinVar aggregate classification (germline): Benign (1 of 4 stars; one submission).

Conditions:
Thyroid hormone resistance, generalized, autosomal dominant (GRTHD). Also called: HYPERTHYROXINEMIA, FAMILIAL EUTHYROID, SECONDARY TO PITUITARY AND PERIPHERAL RESISTANCE TO THYROID HORMONES. Identifiers: MedGen C2937288, MONDO:0008569, OMIM 188570.

Allele frequency attached by ClinVar (database versions not stated): 1000 Genomes Project 0.02616; 1000 Genomes Project 30x 0.02733; gnomAD 0.03068 and 0.03256; TOPMed 0.03337.

Submissions (2):

Illumina Laboratory Services, Illumina
Classification: Benign for Thyroid hormone resistance, generalized, autosomal dominant. Last evaluated: 2018-01-12. Review status: criteria provided, single submitter. Criteria: ICSL Variant Classification Criteria 13 December 2019. Collection method: clinical testing. Allele origin: germline.
Comment: This variant was observed in the ICSL laboratory as part of a predisposition screen in an ostensibly healthy population. It had not been previously curated by ICSL or reported in the Human Gene Mutation Database (HGMD: prior to June 1st, 2018), and was therefore a candidate for classification through an automated scoring system. Utilizing variant allele frequency, disease prevalence and penetrance estimates, and inheritance mode, an automated score was calculated to assess if this variant is too frequent to cause the disease. Based on the score and internal cut-off values, a variant classified as benign is not then subjected to further curation. The score for this variant resulted in a classification of benign for this disease.

Dr. Peter K. Rogan Lab, Western University
No classification provided (evidence only). Condition: Ovarian serous cystadenocarcinoma. Review status: no classification provided. Collection method: in vitro. Allele origin: not applicable. Functional consequence: retained intron. Not counted in ClinVar's aggregate classification.

NM_001354712.2(THRB):c.*2144G>C

Gene: THRB (thyroid hormone receptor beta; minus strand). Cytogenetic location: 3p24.2.
Variant type: single nucleotide variant.
Coding change: c.*2144G>C on transcript NM_001354712.2 (MANE Select); 2144 bases downstream of the stop codon, G replaced by C.
Molecular consequence: 3 prime UTR variant.
Genome position (GRCh38, 1-based): chr3:24,120,740, C>G on the plus strand (G>C on the coding strand, the complement: THRB is on the minus strand). VCF-style: chr3-24120740-C-G. GRCh37 (hg19) VCF-style: chr3-24162231-C-G.
Other names: NC_000003.11:g.24162231C>G; c.*2144G>C (NM_000461.5, NM_001128176.3, NM_001128177.2 and 8 more transcripts).
Identifiers: ClinVar variation 344599 (VCV000344599.6), dbSNP rs76054208, ClinGen allele CA10617951.